The following is an entry in ClinVar:

NM_017617.5(NOTCH1):c.6284G>A (p.Arg2095His)

Gene: NOTCH1 (notch receptor 1; minus strand). Cytogenetic location: 9q34.3.
Variant type: single nucleotide variant.
Coding change: c.6284G>A on transcript NM_017617.5 (MANE Select); coding-DNA position 6284, G replaced by A.
Protein change: p.Arg2095His; replaces arginine 2095 with histidine.
Molecular consequence: missense variant.
Genome position (GRCh38, 1-based): chr9:136,497,455, C>T on the plus strand (G>A on the coding strand, the complement: NOTCH1 is on the minus strand). VCF-style: chr9-136497455-C-T. GRCh37 (hg19) VCF-style: chr9-139391907-C-T.
Other names: c.6284G>A, p.Arg2095His (LRG_1122t1); short protein forms R2095H.
Identifiers: ClinVar variation 477959 (VCV000477959.14), dbSNP rs756874994, ClinGen allele CA5339950.

ClinVar aggregate classification (germline): Conflicting classifications of pathogenicity. Review status: criteria provided, conflicting classifications (1 of 4 stars). 3 submissions from 3 submitters: Uncertain significance (2); Benign (1). Last evaluated 2026-01-25.

Conditions:
Familial thoracic aortic aneurysm and aortic dissection (TAAD). Also called: Thoracic aortic aneurysms and dissections. Identifiers: Orphanet 91387, MedGen C4707243, MONDO:0019625.
Adams-Oliver syndrome 5 (AOS5). Identifiers: Orphanet 974, MedGen C4014970, MONDO:0014459, OMIM 616028.

Allele frequency attached by ClinVar (database versions not stated): ExAC 0.00002; gnomAD exomes 0.00002 and 0.00004; TOPMed 0.00002; gnomAD 0.00003 and 0.00004.
gnomAD v4.1: 60 of 1,612,308 alleles (0.0037%); highest among the groups gnomAD compares: Middle Eastern, 0.016%; no homozygotes.

Submissions (3):

Labcorp Genetics (formerly Invitae), Labcorp
Classification: Benign for Adams-Oliver syndrome 5. Last evaluated: 2026-01-25. Review status: criteria provided, single submitter. Criteria: Invitae Variant Classification Sherloc (09022015). Collection method: clinical testing. Allele origin: germline.

Ambry Genetics
Classification: Uncertain significance for Familial thoracic aortic aneurysm and aortic dissection. Last evaluated: 2025-06-10. Review status: criteria provided, single submitter. Criteria: Ambry Variant Classification Scheme 2023. Collection method: clinical testing. Allele origin: germline.
Comment: The p.R2095H variant (also known as c.6284G>A), located in coding exon 34 of the NOTCH1 gene, results from a G to A substitution at nucleotide position 6284. The arginine at codon 2095 is replaced by histidine, an amino acid with highly similar properties. This amino acid position is highly conserved in available vertebrate species. In addition, the in silico prediction for this alteration is inconclusive. Since supporting evidence is limited at this time, the clinical significance of this alteration remains unclear.

Blueprint Genetics
Classification: Uncertain significance. Last evaluated: 2020-05-13. Review status: criteria provided, single submitter. Criteria: ACMG Guidelines, 2015. Collection method: clinical testing. Allele origin: germline.